The following is an entry in ClinVar:

ClinVar aggregate classification (germline): Uncertain significance (1 of 4 stars; one submission).

Submission:

Labcorp Genetics (formerly Invitae), Labcorp
Classification: Uncertain significance. Last evaluated: 2022-03-10. Review status: criteria provided, single submitter. Criteria: Invitae Variant Classification Sherloc (09022015). Collection method: clinical testing. Allele origin: germline.
Comment: In summary, the available evidence is currently insufficient to determine the role of this variant in disease. Therefore, it has been classified as a Variant of Uncertain Significance. Algorithms developed to predict the effect of missense changes on protein structure and function are either unavailable or do not agree on the potential impact of this missense change (SIFT: "Not Available"; PolyPhen-2: "Benign"; Align-GVGD: "Not Available"). This variant has not been reported in the literature in individuals affected with USH1G-related conditions. Information on the frequency of this variant in the gnomAD database is not available, as this variant may be reported differently in the database. This sequence change replaces leucine with alanine at codon 440 of the USH1G protein (p.Leu440Ala). The leucine residue is moderately conserved and there is a moderate physicochemical difference between leucine and alanine.

NM_173477.5(USH1G):c.1318_1319delinsGC (p.Leu440Ala)

Gene: USH1G (USH1 protein network component sans; minus strand). Cytogenetic location: 17q25.1.
Variant type: Indel.
Coding change: c.1318_1319delinsGC on transcript NM_173477.5 (MANE Select); coding-DNA positions 1318 to 1319, TT replaced by GC.
Protein change: p.Leu440Ala; replaces leucine 440 with alanine.
Molecular consequence: missense variant.
Genome position (GRCh38, 1-based): chr17:74,919,517-74,919,518, AA replaced by GC on the plus strand (TT replaced by GC on the coding strand, the reverse complement: USH1G is on the minus strand). VCF-style: chr17-74919517-AA-GC. GRCh37 (hg19) VCF-style: chr17-72915612-AA-GC.
Other names: c.1009_1010delinsGC, p.Leu337Ala (NM_001282489.3); short protein forms L337A, L440A.
Identifiers: ClinVar variation 1371734 (VCV001371734.6), dbSNP rs2144751859, ClinGen allele CA2573154820.